The following continues an entry in ClinVar:

NM_007294.4(BRCA1):c.3664G>T (p.Glu1222Ter)

ClinVar aggregate classification (germline): Pathogenic. Pathogenic (1).

Submissions 10 to 15 of 15:

Women's Health and Genetics/Laboratory Corporation of America, LabCorp
Classification: Pathogenic for Hereditary breast and ovarian cancer syndrome. Last evaluated: 2020-11-23. Review status: criteria provided, single submitter. Criteria: LabCorp Variant Classification Summary - May 2015. Collection method: clinical testing. Allele origin: germline. Not counted in ClinVar's aggregate classification.
Comment: Variant summary: BRCA1 c.3664G>T (p.Glu1222X) results in a premature termination codon, predicted to cause a truncation of the encoded protein or absence of the protein due to nonsense mediated decay, which are commonly known mechanisms for disease. Truncations downstream of this position have been classified as pathogenic by our laboratory. The variant was absent in 251296 control chromosomes. c.3664G>T has been reported in the literature in multiple individuals affected with Hereditary Breast And Ovarian Cancer Syndrome (example, Churpek_2015, Judkins_2005, and Rebbeck_2018). These data indicate that the variant is very likely to be associated with disease. To our knowledge, no experimental evidence demonstrating an impact on protein function has been reported. Six clinical diagnostic laboratories and one expert panel (ENIGMA) have submitted clinical-significance assessments for this variant to ClinVar after 2014 without evidence for independent evaluation. All submitters classified the variant as pathogenic. Based on the evidence outlined above, the variant was classified as pathogenic.

Human Genome Sequencing Center Clinical Lab, Baylor College of Medicine
Classification: Pathogenic for Breast-ovarian cancer, familial, susceptibility to, 1. Last evaluated: 2017-10-30. Review status: criteria provided, single submitter. Criteria: ACMG Guidelines, 2015. Collection method: clinical testing. Allele origin: germline. Not counted in ClinVar's aggregate classification.
Comment: The c.3664G>T variant is predicted to yield a premature stop codon at amino acid position 1222 of BRCA1 gene, which is one of mechanisms causing BRCA1 defects related breast cancer. This variant is absent in general population (not in gnomad) and observed in multiple breast cancer patients (Breast Cancer Information Core, PMID:25428789). It has been also observed in other clinical labs and reported as a pathogenic. Based on the above evidences, we interpret this variant as pathogenic.

Consortium of Investigators of Modifiers of BRCA1/2 (CIMBA), c/o University of Cambridge
Classification: Pathogenic for Breast-ovarian cancer, familial, susceptibility to, 1. Last evaluated: 2015-10-02. Review status: criteria provided, single submitter. Criteria: CIMBA Mutation Classification guidelines May 2016. Collection method: clinical testing. Allele origin: germline. Not counted in ClinVar's aggregate classification.

Research Molecular Genetics Laboratory, Women's College Hospital, University of Toronto
Classification: Pathogenic for Hereditary breast ovarian cancer syndrome. Last evaluated: 2014-01-31. Review status: no assertion criteria provided. Collection method: research. Allele origin: germline. Affected: yes. Study: The Canadian Open Genetics Repository (COGR). Not counted in ClinVar's aggregate classification.

Sharing Clinical Reports Project (SCRP)
Classification: Pathogenic for Breast-ovarian cancer, familial 1. Last evaluated: 2009-08-04. Review status: no assertion criteria provided. Collection method: clinical testing. Allele origin: germline. Not counted in ClinVar's aggregate classification.

Breast Cancer Information Core (BIC) (BRCA1)
Classification: Pathogenic for Breast-ovarian cancer, familial 1. Last evaluated: 2002-05-29. Review status: no assertion criteria provided. Collection method: clinical testing. Allele origin: germline. Affected: yes. Observed: 9 variant alleles. Not counted in ClinVar's aggregate classification.

Literature cited by the submitters: PubMed 25428789 (cited by 6 submitters); PubMed 31853058 (cited by Color Diagnostics, LLC DBA Color Health); PubMed 20104584 (cited by Labcorp Genetics (formerly Invitae), Labcorp); PubMed 16267036 (cited by 3 submitters); PubMed 28888541 (cited by Quest Diagnostics Nichols Institute San Juan Capistrano); PubMed 31447099 (cited by 3 submitters); PubMed 30836094 (cited by Quest Diagnostics Nichols Institute San Juan Capistrano); PubMed 29446198 (cited by 3 submitters); PubMed 26295337 (cited by Quest Diagnostics Nichols Institute San Juan Capistrano); PubMed 17661172 (cited by All of Us Research Program, National Institutes of Health); PubMed 21989022 (cited by All of Us Research Program, National Institutes of Health); PubMed 22762150 (cited by All of Us Research Program, National Institutes of Health).